The following is an entry in ClinVar:

NM_000419.5(ITGA2B):c.1947-9T>C

Gene: ITGA2B (integrin subunit alpha 2b; minus strand). Cytogenetic location: 17q21.31.
Variant type: single nucleotide variant.
Coding change: c.1947-9T>C on transcript NM_000419.5 (MANE Select); 9 bases into the intron before coding-DNA position 1947, T replaced by C.
Molecular consequence: intron variant.
Genome position (GRCh38, 1-based): chr17:44,378,518, A>G on the plus strand (T>C on the coding strand, the complement: ITGA2B is on the minus strand). VCF-style: chr17-44378518-A-G. GRCh37 (hg19) VCF-style: chr17-42455886-A-G.
Other names: NM_000419.5:c.1947-9T>C.
Identifiers: ClinVar variation 3358852 (VCV003358852.1).

ClinVar aggregate classification (germline): Uncertain significance (3 of 4 stars; one submission).

Conditions:
Glanzmann thrombasthenia. Also called: BLEEDING DISORDER, PLATELET-TYPE, 2; THROMBASTHENIA OF GLANZMANN AND NAEGELI; Thrombasthenia; Glanzmann's thrombasthenia; PLATELET GLYCOPROTEIN IIb-IIIa DEFICIENCY. Identifiers: Orphanet 849, MedGen C0040015, MONDO:0100326.

Submission:

ClinGen Platelet Disorders Variant Curation Expert Panel, ClinGen
Classification: Uncertain significance for Glanzmann thrombasthenia. Last evaluated: 2024-08-20. Review status: reviewed by expert panel. Criteria: ClinGen Platelet ACMG Specifications v2-1. Collection method: curation. Allele origin: germline. Inheritance: Autosomal recessive inheritance.
Comment: The NM_000419.5(ITGA2B):c.1947-9T>C variant is an intronic variant that is not predicted by SpliceAI to impact splicing (delta scores <0.05). In addition, it occurs at a nucleotide that is not conserved as shown by phyloP score of -0.425 (BP7). This variant is absent from gnomAD v4.1.0 (PM2_Supporting). At least one proband (DOI 10.1182/blood-2023-182694) with this variant displayed mucocutaneous bleeding and impaired aggregation with all agonists except ristocetin, which is highly specific for Glanzmann thrombasthenia (PP4_moderate). Additionally, αIIbβ3 surface expression was absent or reduced, as measured by flow cytometry. However, ITGA2B and ITGB3 were not reported to be sequenced across all exons and intron/exon boundaries. In summary, this variant is of uncertain significance. GT-specific criteria applied: BP7, PP4_Moderate, PM2_supporting.